The following is an entry in ClinVar:

NM_020975.6(RET):c.1340C>T (p.Ala447Val)

Gene: RET (ret proto-oncogene; plus strand). Cytogenetic location: 10q11.21.
Variant type: single nucleotide variant.
Coding change: c.1340C>T on transcript NM_020975.6 (MANE Select); coding-DNA position 1340, C replaced by T.
Protein change: p.Ala447Val; replaces alanine 447 with valine.
Molecular consequence: missense variant.
Genome position (GRCh38, 1-based): chr10:43,111,283, C>T. VCF-style: chr10-43111283-C-T. GRCh37 (hg19) VCF-style: chr10-43606731-C-T.
Other names: c.1340C>T, p.Ala447Val (NM_000323.2, NM_001406743.1, NM_001406744.1 and 6 more transcripts); c.578C>T, p.Ala193Val (NM_001355216.2); c.1211C>T, p.Ala404Val (NM_001406761.1, NM_001406762.1, NM_001406764.1 and 1 more transcripts); c.1052C>T, p.Ala351Val (NM_001406766.1, NM_001406767.1, NM_001406770.1); c.944C>T, p.Ala315Val (NM_001406769.1, NM_001406772.1); c.902C>T, p.Ala301Val (NM_001406771.1, NM_001406773.1); c.815C>T, p.Ala272Val (NM_001406774.1); c.614C>T, p.Ala205Val (NM_001406775.1, NM_001406776.1, NM_001406777.1 and 1 more transcripts); and 1 more; short protein forms A205V, A272V, A447V, A193V, A315V, A117V, A301V, A404V.
Identifiers: ClinVar variation 1770354 (VCV001770354.2), dbSNP rs1588871155, ClinGen allele CA376549091.

ClinVar aggregate classification (germline): Uncertain significance (1 of 4 stars; one submission).

Conditions:
Hereditary cancer-predisposing syndrome. Also called: Hereditary Cancer Syndrome; Hereditary neoplastic syndrome; Neoplastic Syndromes, Hereditary; Tumor predisposition. Identifiers: Orphanet 140162, MedGen C0027672, MeSH D009386, MONDO:0015356.

Allele frequency attached by ClinVar (database versions not stated): gnomAD exomes below 0.00001.
gnomAD v4.1: 1 of 1,614,168 alleles (0.000062%); highest among the groups gnomAD compares: Non-Finnish European, 0.000085%; no homozygotes.

Submission:

Ambry Genetics
Classification: Uncertain significance for Hereditary cancer-predisposing syndrome. Last evaluated: 2020-03-26. Review status: criteria provided, single submitter. Criteria: Ambry Variant Classification Scheme 2023. Collection method: clinical testing. Allele origin: germline.
Comment: The p.A447V variant (also known as c.1340C>T), located in coding exon 7 of the RET gene, results from a C to T substitution at nucleotide position 1340. The alanine at codon 447 is replaced by valine, an amino acid with similar properties. This amino acid position is poorly conserved in available vertebrate species. In addition, this alteration is predicted to be tolerated by in silico analysis. Since supporting evidence is limited at this time, the clinical significance of this alteration remains unclear.